The following is an entry in ClinVar:

NM_020971.3(SPTBN4):c.5290-16C>A

Gene: SPTBN4 (spectrin beta, non-erythrocytic 4; plus strand). Cytogenetic location: 19q13.2.
Variant type: single nucleotide variant.
Coding change: c.5290-16C>A on transcript NM_020971.3 (MANE Select); 16 bases into the intron before coding-DNA position 5290, C replaced by A.
Molecular consequence: intron variant.
Genome position (GRCh38, 1-based): chr19:40,557,007, C>A. VCF-style: chr19-40557007-C-A. GRCh37 (hg19) VCF-style: chr19-41062913-C-A.
Other names: c.1318-16C>A (NM_025213.3).
Identifiers: ClinVar variation 1878215 (VCV001878215.5), dbSNP rs199711291, ClinGen allele CA9446472.
Genomic context (GRCh38, chr19:40,557,007, plus strand): 5'-GTAGGCTGGAGGGGGCTGGTGTATGCTGCCCCTTTGCTCACTTTGCTGTACCCCCCCCCC[C>A]ACTTCCTGATGGCAGGTGCTGCAGGAGAAATTCTCAGAGTTTGCCAGCGAGACAGGTATG-3'

ClinVar aggregate classification (germline): Likely benign. Review status: criteria provided, multiple submitters, no conflicts (2 of 4 stars). 2 submissions from 2 submitters: Likely benign (2). Last evaluated 2025-01-09.

gnomAD v4.1: 232 of 1,522,480 alleles (0.015%); highest among the groups gnomAD compares: Non-Finnish European, 0.019%; 1 homozygote.

Submissions (2):

Women's Health and Genetics/Laboratory Corporation of America, LabCorp
Classification: Likely benign. Last evaluated: 2025-01-09. Review status: criteria provided, single submitter. Criteria: LabCorp Variant Classification Summary - May 2015. Collection method: clinical testing. Allele origin: germline.
Comment: Variant summary: SPTBN4 c.5290-16C>A alters a nucleotide located at a position not widely known to affect splicing. Consensus agreement among computation tools predict no significant impact on normal splicing (TrAP). However, these predictions have yet to be confirmed by functional studies. The variant allele was found at a frequency of 8.7e-05 in 184816 control chromosomes. This frequency is not significantly higher than estimated for a pathogenic variant in SPTBN4 causing Neurodevelopmental Disorder With Hypotonia, Neuropathy, And Deafness, allowing no conclusion about variant significance. To our knowledge, no occurrence of c.5290-16C>A in individuals affected with Neurodevelopmental Disorder With Hypotonia, Neuropathy, And Deafness and no experimental evidence demonstrating its impact on protein function have been reported. ClinVar contains an entry for this variant (Variation ID: 1878215). Based on the evidence outlined above, the variant was classified as likely benign.

Blueprint Genetics
Classification: Likely benign. Last evaluated: 2024-09-17. Review status: criteria provided, single submitter. Criteria: ACMG Guidelines, 2015. Collection method: clinical testing. Allele origin: germline.